The following is an entry in ClinVar:

ClinVar aggregate classification (germline): Conflicting classifications of pathogenicity. Review status: criteria provided, conflicting classifications (1 of 4 stars). 3 submissions from 3 submitters: Likely pathogenic (2); Uncertain significance (1). Last evaluated 2026-09-13.

Conditions:
Early-infantile DEE. Also called: Early infantile epileptic encephalopathy; Ohtahara syndrome; Early infantile epileptic encephalopathy with suppression bursts. Identifiers: Orphanet 1934, MedGen C0393706, MONDO:0800491.
Autosomal dominant epilepsy.

Submissions (3):

GeneDx
Classification: Likely pathogenic. Last evaluated: 2026-09-13. Review status: criteria provided, single submitter. Criteria: GeneDx Variant Classification Process June 2021. Collection method: clinical testing. Allele origin: germline.
Comment: Not observed at significant frequency in large population cohorts (gnomAD); RNA studies demonstrate a damaging effect: splicing reporter system showed no correctly spliced transcript, which supports in frame exon 23 skipping (PMID: 37956038); In silico analysis suggests that this variant does not alter splicing; This variant is associated with the following publications: (PMID: 21426328, 21248271, 32090326, 29408779, 37956038)

Women's Health and Genetics/Laboratory Corporation of America, LabCorp
Classification: Likely pathogenic. Last evaluated: 2023-08-10. Review status: criteria provided, single submitter. Criteria: LabCorp Variant Classification Summary - May 2015. Collection method: clinical testing. Allele origin: germline.
Comment: Variant summary: SCN1A c.4339-12C>A alters a non-conserved nucleotide located at a position not widely known to affect splicing. One computational tool predicts an impact on normal splicing as weakening of a canonical 3' splicing acceptor site. Two predict the variant as having no significant impact on splicing. However, these predictions have yet to be confirmed by functional studies. The variant was absent in 247986 control chromosomes. c.4339-12C>A has been reported in the literature as a de-novo occurrence in at-least two individuals affected with Dravet syndrome, an SCN1A-Related Seizure Disorder (example, Tang_2011 cited in Brunklaus_2020 and Zuberi_2011). Although the country of origin of both these affected individuals is the same, no apparent authorship or institutional overlap is evident, therefore the possibility of an ascertainment bias or two mutually exclusive occurrences cannot be reliably ruled out. This variant has also been observed as a de-novo occurrence in at-least one individual tested at our laboratory. To our knowledge, no experimental evidence demonstrating an impact on protein function has been reported. One submitter has cited clinical-significance assessments for this variant to ClinVar after 2014 and has classified the variant as uncertain significance citing an overlapping evidence utilized in the context of this evaluation. Based on the evidence outlined above, the variant was classified as likely pathogenic.

Labcorp Genetics (formerly Invitae), Labcorp
Classification: Uncertain significance for Early-infantile DEE. Last evaluated: 2022-06-27. Review status: criteria provided, single submitter. Criteria: Invitae Variant Classification Sherloc (09022015). Collection method: clinical testing. Allele origin: germline.
Comment: In summary, the available evidence is currently insufficient to determine the role of this variant in disease. Therefore, it has been classified as a Variant of Uncertain Significance. Algorithms developed to predict the effect of sequence changes on RNA splicing suggest that this variant is not likely to affect RNA splicing. ClinVar contains an entry for this variant (Variation ID: 1040912). This variant has been observed in individual(s) with Dravet syndrome (PMID: 21248271). In at least one individual the variant was observed to be de novo. This variant is not present in population databases (gnomAD no frequency). This sequence change falls in intron 22 of the SCN1A gene. It does not directly change the encoded amino acid sequence of the SCN1A protein.

Literature cited by the submitters: PubMed 21248271 (cited by Women's Health and Genetics/Laboratory Corporation of America, LabCorp and Labcorp Genetics (formerly Invitae), Labcorp); PubMed 32090326 (cited by Women's Health and Genetics/Laboratory Corporation of America, LabCorp); PubMed 21426328 (cited by Women's Health and Genetics/Laboratory Corporation of America, LabCorp).

NM_001165963.4(SCN1A):c.4339-12C>A

Genes: SCN1A (sodium voltage-gated channel alpha subunit 1; minus strand), LOC102724058 (uncharacterized LOC102724058; plus strand). Cytogenetic location: 2q24.3.
Variant type: single nucleotide variant.
Coding change: c.4339-12C>A on transcript NM_001165963.4 (MANE Select); 12 bases into the intron before coding-DNA position 4339, C replaced by A.
Molecular consequence: intron variant.
Genome position (GRCh38, 1-based): chr2:165,998,187, G>T on the plus strand (C>A on the coding strand, the complement: SCN1A is on the minus strand). VCF-style: chr2-165998187-G-T. GRCh37 (hg19) VCF-style: chr2-166854697-G-T.
Other names: c.4306-12C>A (NM_001353949.2, NM_001353950.2, NM_001353951.2 and 2 more transcripts); c.4255-12C>A (NM_001353958.2, NM_001353957.2, NM_001165964.3); c.4339-12C>A (NM_001202435.3, NM_001353948.2, NM_001165963.1); c.4303-12C>A (NM_001353955.2, NM_001353954.2); c.4252-12C>A (NM_001353960.2); c.1897-12C>A (NM_001353961.2).
Identifiers: ClinVar variation 1040912 (VCV001040912.12), dbSNP rs776548109, ClinGen allele CA1304840541.